The following is an entry in ClinVar:

NM_004817.4(TJP2):c.965G>T (p.Arg322Leu)

Gene: TJP2 (tight junction protein 2; plus strand). Cytogenetic location: 9q21.11.
Variant type: single nucleotide variant.
Coding change: c.965G>T on transcript NM_004817.4 (MANE Select); coding-DNA position 965, G replaced by T.
Protein change: p.Arg322Leu; replaces arginine 322 with leucine.
Molecular consequence: missense variant.
Genome position (GRCh38, 1-based): chr9:69,225,316, G>T. VCF-style: chr9-69225316-G-T. GRCh37 (hg19) VCF-style: chr9-71840232-G-T.
Other names: c.896G>T, p.Arg299Leu (NM_001170414.2, NM_001369870.1, NM_001369871.1); c.977G>T, p.Arg326Leu (NM_001170415.1, NM_001369874.1, NM_001369875.1); c.1058G>T, p.Arg353Leu (NM_001170416.2); c.965G>T, p.Arg322Leu (NM_001369872.1, NM_001369873.1, NM_201629.3); short protein forms R322L, R299L, R326L, R353L.
Identifiers: ClinVar variation 5001300 (VCV005001300.1).
Genomic context (GRCh38, chr9:69,225,316, plus strand): 5'-TTGAACAAATTGATAACATACGTGTATGTTTATGTGTTTGTCTCCTAGAGTATGGTCTCC[G>T]GCTTGGGAGTCAGATCTTCGTAAAGGAAATGACCCGAACGGGTCTGGCAACTAAAGATGG-3'
Protein context (NP_004808.2, residues 312-332): KSRANEEYGL[Arg322Leu]LGSQIFVKEM

ClinVar aggregate classification (germline): Uncertain significance (1 of 4 stars; one submission).

Conditions:
TJP2-related disorder. Also called: TJP2-related condition.

Submission:

PreventionGenetics, part of Exact Sciences
Classification: Uncertain significance for TJP2-related condition. Last evaluated: 2024-12-12. Review status: criteria provided, single submitter. Criteria: ACMG Guidelines, 2015. Collection method: clinical testing. Allele origin: germline.
Comment: The TJP2 c.965G>T variant is predicted to result in the amino acid substitution p.Arg322Leu. To our knowledge, this variant has not been reported in the literature or in a large population database (gnomAD), indicating this variant is rare. At this time, the clinical significance of this variant is uncertain due to the absence of conclusive functional and genetic evidence.